The following is an entry in ClinVar:

NM_000059.4(BRCA2):c.7977-6T>C

Gene: BRCA2 (BRCA2 DNA repair associated; plus strand). Cytogenetic location: 13q13.1.
Variant type: single nucleotide variant.
Coding change: c.7977-6T>C on transcript NM_000059.4 (MANE Select); 6 bases into the intron before coding-DNA position 7977, T replaced by C.
Molecular consequence: intron variant.
Genome position (GRCh38, 1-based): chr13:32,363,173, T>C. VCF-style: chr13-32363173-T-C. GRCh37 (hg19) VCF-style: chr13-32937310-T-C.
Identifiers: ClinVar variation 1709410 (VCV001709410.2), dbSNP rs2137579507, ClinGen allele CA2580087445.

ClinVar aggregate classification (germline): Uncertain significance (1 of 4 stars; one submission).

Conditions:
Familial cancer of breast. Also called: Hereditary breast cancer; BREAST CANCER, FAMILIAL; hereditary breast carcinoma. Identifiers: Orphanet 227535, MedGen C0346153, MONDO:0016419, OMIM 114480. Disease mechanism: loss of function.

Submission:

MGZ Medical Genetics Center
Classification: Uncertain significance for Familial cancer of breast. Last evaluated: 2024-02-09. Review status: criteria provided, single submitter. Criteria: CSpec BRCA1/2ACMG Rules Specifications V1.1.0. Collection method: clinical testing. Allele origin: germline. Affected: yes.
Comment: ACMG codes applied following ENIGMA VCEP rules: PM2_SUP, BP4